The following is an entry in ClinVar:

NM_001557.4(CXCR2):c.305C>T (p.Pro102Leu)

Gene: CXCR2 (C-X-C motif chemokine receptor 2; plus strand). Cytogenetic location: 2q35.
Variant type: single nucleotide variant.
Coding change: c.305C>T on transcript NM_001557.4 (MANE Select); coding-DNA position 305, C replaced by T.
Protein change: p.Pro102Leu; replaces proline 102 with leucine.
Molecular consequence: missense variant.
Genome position (GRCh38, 1-based): chr2:218,135,106, C>T. VCF-style: chr2-218135106-C-T. GRCh37 (hg19) VCF-style: chr2-218999829-C-T.
Other names: p.Pro102Leu; c.305C>T, p.Pro102Leu (NM_001168298.2); short protein forms P102L.
Identifiers: ClinVar variation 3379417 (VCV003379417.3).

ClinVar aggregate classification (germline): Uncertain significance. Review status: criteria provided, multiple submitters, no conflicts (2 of 4 stars). 2 submissions from 2 submitters: Uncertain significance (2). Last evaluated 2024-10-03.

Submissions (2):

Labcorp Genetics (formerly Invitae), Labcorp
Classification: Uncertain significance. Last evaluated: 2024-10-03. Review status: criteria provided, single submitter. Criteria: Invitae Variant Classification Sherloc (09022015). Collection method: clinical testing. Allele origin: germline.
Comment: This sequence change replaces proline, which is neutral and non-polar, with leucine, which is neutral and non-polar, at codon 102 of the CXCR2 protein (p.Pro102Leu). This variant is not present in population databases (gnomAD no frequency). This variant has not been reported in the literature in individuals affected with CXCR2-related conditions. An algorithm developed to predict the effect of missense changes on protein structure and function (PolyPhen-2) suggests that this variant is likely to be disruptive. In summary, the available evidence is currently insufficient to determine the role of this variant in disease. Therefore, it has been classified as a Variant of Uncertain Significance.

Mayo Clinic Laboratories, Mayo Clinic
Classification: Uncertain significance. Last evaluated: 2024-03-13. Review status: criteria provided, single submitter. Criteria: ACMG Guidelines, 2015. Collection method: clinical testing. Allele origin: germline. Observed: 1 variant allele.
Comment: PP3, PM2